The following is an entry in ClinVar:

ClinVar aggregate classification (germline): Uncertain significance (1 of 4 stars; one submission).

Submission:

GeneDx
Classification: Uncertain significance. Last evaluated: 2023-09-20. Review status: criteria provided, single submitter. Criteria: GeneDx Variant Classification Process June 2021. Collection method: clinical testing. Allele origin: germline. Affected: yes.
Comment: Not observed at significant frequency in large population cohorts (gnomAD); In silico analysis supports that this missense variant does not alter protein structure/function; Has not been previously published as pathogenic or benign to our knowledge

NM_198904.4(GABRG2):c.137A>C (p.Tyr46Ser)

Gene: GABRG2 (gamma-aminobutyric acid type A receptor subunit gamma2; plus strand). Cytogenetic location: 5q34.
Variant type: single nucleotide variant.
Coding change: c.137A>C on transcript NM_198904.4 (MANE Select); coding-DNA position 137, A replaced by C.
Protein change: p.Tyr46Ser; replaces tyrosine 46 with serine.
Molecular consequence: missense variant. On other transcripts: 5 prime UTR variant (3).
Genome position (GRCh38, 1-based): chr5:162,093,857, A>C. VCF-style: chr5-162093857-A-C. GRCh37 (hg19) VCF-style: chr5-161520863-A-C.
Other names: c.137A>C, p.Tyr46Ser (NM_000816.3, NM_001375340.1, NM_001375341.1 and 4 more transcripts); c.128A>C, p.Tyr43Ser (NM_001375339.1); c.71A>C, p.Tyr24Ser (NM_001375345.1, NM_001375346.1); c.50A>C, p.Tyr17Ser (NM_001375347.1); c.-222A>C (NM_001375348.1, NM_001375350.1); c.-149A>C (NM_001375349.1); short protein forms Y17S, Y24S, Y43S, Y46S.
Identifiers: ClinVar variation 1309189 (VCV001309189.4), dbSNP rs1218953360, ClinGen allele CA362182896.